The following is an entry in ClinVar:

NM_000051.4(ATM):c.4904C>A (p.Ser1635Tyr)

Gene: ATM (ATM serine/threonine kinase; plus strand). Cytogenetic location: 11q22.3.
Variant type: single nucleotide variant.
Coding change: c.4904C>A on transcript NM_000051.4 (MANE Select); coding-DNA position 4904, C replaced by A.
Protein change: p.Ser1635Tyr; replaces serine 1635 with tyrosine.
Molecular consequence: missense variant.
Genome position (GRCh38, 1-based): chr11:108,295,054, C>A. VCF-style: chr11-108295054-C-A. GRCh37 (hg19) VCF-style: chr11-108165781-C-A.
Other names: c.4904C>A, p.Ser1635Tyr (NM_001351834.2); short protein forms S1635Y.
Identifiers: ClinVar variation 952164 (VCV000952164.9), dbSNP rs2083047150, ClinGen allele CA382537293.
Genomic context (GRCh38, chr11:108,295,054, plus strand): 5'-AGGATCTTCGAAGACAACTGGAACTACATAAAGATCAGATGGTGGACATTATGAGAGCTT[C>A]TCAGGGTGCTAATTTTAAATGACATGGGCTATTTCTACCTGTTTCTTTTTGAAAGAATAT-3'
Protein context (NP_000042.3, residues 1625-1645): KDQMVDIMRA[Ser1635Tyr]QDNPQDGIMV

ClinVar aggregate classification (germline): Uncertain significance (1 of 4 stars; one submission).

Conditions:
Ataxia-telangiectasia syndrome (AT). Also called: LOUIS-BAR SYNDROME; Ataxia telangiectasia (A-T); Cerebello-oculocutaneous telangiectasia; Immunodeficiency with ataxia telangiectasia; ATAXIA-TELANGIECTASIA, COMPLEMENTATION GROUP A; ATAXIA-TELANGIECTASIA, FRESNO VARIANT. Identifiers: Orphanet 100, MedGen C0004135, MONDO:0008840, OMIM 208900.

Submission:

Labcorp Genetics (formerly Invitae), Labcorp
Classification: Uncertain significance for Ataxia-telangiectasia syndrome. Last evaluated: 2019-05-22. Review status: criteria provided, single submitter. Criteria: Invitae Variant Classification Sherloc (09022015). Collection method: clinical testing. Allele origin: germline.
Comment: This sequence change replaces serine with tyrosine at codon 1635 of the ATM protein (p.Ser1635Tyr). The serine residue is weakly conserved and there is a large physicochemical difference between serine and tyrosine. This variant is not present in population databases (ExAC no frequency). This variant has not been reported in the literature in individuals with ATM-related conditions. Algorithms developed to predict the effect of missense changes on protein structure and function (SIFT, PolyPhen-2, Align-GVGD) all suggest that this variant is likely to be tolerated, but these predictions have not been confirmed by published functional studies and their clinical significance is uncertain. In summary, the available evidence is currently insufficient to determine the role of this variant in disease. Therefore, it has been classified as a Variant of Uncertain Significance.